The following is an entry in ClinVar:

NM_000553.6(WRN):c.1033G>A (p.Glu345Lys)

Gene: WRN (WRN RecQ like helicase; plus strand). Cytogenetic location: 8p12.
Variant type: single nucleotide variant.
Coding change: c.1033G>A on transcript NM_000553.6 (MANE Select); coding-DNA position 1033, G replaced by A.
Protein change: p.Glu345Lys; replaces glutamic acid 345 with lysine.
Molecular consequence: missense variant.
Genome position (GRCh38, 1-based): chr8:31,081,060, G>A. VCF-style: chr8-31081060-G-A. GRCh37 (hg19) VCF-style: chr8-30938576-G-A.
Other names: short protein forms E345K.
Identifiers: ClinVar variation 2998920 (VCV002998920.3), dbSNP rs2535910497, ClinGen allele CA370920346.

ClinVar aggregate classification (germline): Uncertain significance (1 of 4 stars; one submission).

Conditions:
Werner syndrome (WRN). Identifiers: Orphanet 902, MedGen C0043119, MONDO:0010196, OMIM 277700.

Submission:

Labcorp Genetics (formerly Invitae), Labcorp
Classification: Uncertain significance for Werner syndrome. Last evaluated: 2022-10-21. Review status: criteria provided, single submitter. Criteria: Invitae Variant Classification Sherloc (09022015). Collection method: clinical testing. Allele origin: germline.
Comment: In summary, the available evidence is currently insufficient to determine the role of this variant in disease. Therefore, it has been classified as a Variant of Uncertain Significance. Algorithms developed to predict the effect of missense changes on protein structure and function are either unavailable or do not agree on the potential impact of this missense change (SIFT: "Not Available"; PolyPhen-2: "Benign"; Align-GVGD: "Not Available"). This variant has not been reported in the literature in individuals affected with WRN-related conditions. This variant is not present in population databases (gnomAD no frequency). This sequence change replaces glutamic acid, which is acidic and polar, with lysine, which is basic and polar, at codon 345 of the WRN protein (p.Glu345Lys).